The following is an entry in ClinVar:

NM_000532.5(PCCB):c.372+15C>T

Gene: PCCB (propionyl-CoA carboxylase subunit beta; plus strand). Cytogenetic location: 3q22.3.
Variant type: single nucleotide variant.
Coding change: c.372+15C>T on transcript NM_000532.5 (MANE Select); 15 bases into the intron after coding-DNA position 372, C replaced by T.
Molecular consequence: intron variant.
Genome position (GRCh38, 1-based): chr3:136,256,638, C>T. VCF-style: chr3-136256638-C-T. GRCh37 (hg19) VCF-style: chr3-135975480-C-T.
Other names: c.372+15C>T (NM_001178014.2).
Identifiers: ClinVar variation 378322 (VCV000378322.10), dbSNP rs370726053, ClinGen allele CA2631697.

ClinVar aggregate classification (germline): Likely benign. Review status: criteria provided, multiple submitters, no conflicts (2 of 4 stars). 3 submissions from 3 submitters: Likely benign (3). Last evaluated 2026-01-19.

Conditions:
Propionic acidemia (PROP). Also called: KETOTIC HYPERGLYCINEMIA; GLYCINEMIA, KETOTIC; HYPERGLYCINEMIA WITH KETOACIDOSIS AND LEUKOPENIA. Identifiers: Orphanet 35, MedGen C0268579, MONDO:0011628, OMIM 606054, HP:0003571.

Allele frequency attached by ClinVar (database versions not stated): gnomAD 0.00003 and 0.00007; TOPMed 0.00007; ESP Exome Variant Server 0.00008; 1000 Genomes Project 30x 0.00016; ExAC 0.00019; gnomAD exomes 0.00019; 1000 Genomes Project 0.00020.
gnomAD v4.1: 173 of 1,576,090 alleles (0.011%); highest among the groups gnomAD compares: South Asian, 0.12%; 1 homozygote.

Submissions (3):

Labcorp Genetics (formerly Invitae), Labcorp
Classification: Likely benign for Propionic acidemia. Last evaluated: 2026-01-19. Review status: criteria provided, single submitter. Criteria: Invitae Variant Classification Sherloc (09022015). Collection method: clinical testing. Allele origin: germline.

GeneDx
Classification: Likely benign. Last evaluated: 2016-08-29. Review status: criteria provided, single submitter. Criteria: GeneDx Variant Classification (06012015). Collection method: clinical testing. Allele origin: germline. Affected: yes.
Comment: This variant is considered likely benign or benign based on one or more of the following criteria: it is a conservative change, it occurs at a poorly conserved position in the protein, it is predicted to be benign by multiple in silico algorithms, and/or has population frequency not consistent with disease.

Breakthrough Genomics
Classification: Likely benign. Review status: criteria provided, single submitter. Criteria: ACMG Guidelines, 2015. Collection method: not provided. Allele origin: germline. Inheritance: Autosomal recessive inheritance. Affected: yes.